The following is an entry in ClinVar:

ClinVar aggregate classification (germline): Uncertain significance (1 of 4 stars; one submission).

Allele frequency attached by ClinVar (database versions not stated): TOPMed below 0.00001.
gnomAD v4.1: 1 of 1,611,638 alleles (0.000062%); highest among the groups gnomAD compares: Non-Finnish European, 0.000085%; no homozygotes.

Submission:

Women's Health and Genetics/Laboratory Corporation of America, LabCorp
Classification: Uncertain significance. Last evaluated: 2024-04-03. Review status: criteria provided, single submitter. Criteria: LabCorp Variant Classification Summary - May 2015. Collection method: clinical testing. Allele origin: germline.
Comment: Variant summary: DIP2B c.2185G>C (p.Gly729Arg) results in a non-conservative amino acid change located in the AMP-dependent synthetase/ligase domain (IPR000873) of the encoded protein sequence. Four of five in-silico tools predict a damaging effect of the variant on protein function. The variant was absent in 249264 control chromosomes. The available data on variant occurrences in the general population are insufficient to allow any conclusion about variant significance. To our knowledge, no occurrence of c.2185G>C in individuals affected with Intellectual Disability, FRA12A Type and no experimental evidence demonstrating its impact on protein function have been reported. No submitters have cited clinical-significance assessments for this variant to ClinVar. Based on the evidence outlined above, the variant was classified as uncertain significance.

NM_173602.3(DIP2B):c.2185G>C (p.Gly729Arg)

Gene: DIP2B (disco interacting protein 2 homolog B; plus strand). Cytogenetic location: 12q13.12.
Variant type: single nucleotide variant.
Coding change: c.2185G>C on transcript NM_173602.3 (MANE Select); coding-DNA position 2185, G replaced by C.
Protein change: p.Gly729Arg; replaces glycine 729 with arginine.
Molecular consequence: missense variant.
Genome position (GRCh38, 1-based): chr12:50,698,464, G>C. VCF-style: chr12-50698464-G-C. GRCh37 (hg19) VCF-style: chr12-51092247-G-C.
Other names: short protein forms G729R.
Identifiers: ClinVar variation 3251559 (VCV003251559.1), dbSNP rs201439863.